The following is an entry in ClinVar:

ClinVar aggregate classification (germline): Uncertain significance (1 of 4 stars; one submission).

gnomAD v4.1: 1 of 1,613,854 alleles (0.000062%); highest among the groups gnomAD compares: Non-Finnish European, 0.000085%; no homozygotes.

Submission:

Labcorp Genetics (formerly Invitae), Labcorp
Classification: Uncertain significance. Last evaluated: 2022-04-20. Review status: criteria provided, single submitter. Criteria: Invitae Variant Classification Sherloc (09022015). Collection method: clinical testing. Allele origin: germline.
Comment: This variant has not been reported in the literature in individuals affected with BRD4-related conditions. This variant is not present in population databases (gnomAD no frequency). This sequence change replaces proline, which is neutral and non-polar, with arginine, which is basic and polar, at codon 230 of the BRD4 protein (p.Pro230Arg). Algorithms developed to predict the effect of missense changes on protein structure and function are either unavailable or do not agree on the potential impact of this missense change (SIFT: "Deleterious"; PolyPhen-2: "Not Available"; Align-GVGD: "Class C65"). In summary, the available evidence is currently insufficient to determine the role of this variant in disease. Therefore, it has been classified as a Variant of Uncertain Significance.

NM_001379291.1(BRD4):c.689C>G (p.Pro230Arg)

Gene: BRD4 (bromodomain containing 4; minus strand). Cytogenetic location: 19p13.12.
Variant type: single nucleotide variant.
Coding change: c.689C>G on transcript NM_001379291.1 (MANE Select); coding-DNA position 689, C replaced by G.
Protein change: p.Pro230Arg; replaces proline 230 with arginine.
Molecular consequence: missense variant.
Genome position (GRCh38, 1-based): chr19:15,265,514, G>C on the plus strand (C>G on the coding strand, the complement: BRD4 is on the minus strand). VCF-style: chr19-15265514-G-C. GRCh37 (hg19) VCF-style: chr19-15376325-G-C.
Other names: c.689C>G, p.Pro230Arg (NM_001379292.1, NM_014299.3, NM_058243.3 and 1 more transcripts); short protein forms P230R.
Identifiers: ClinVar variation 2127095 (VCV002127095.4), dbSNP rs201031470, ClinGen allele CA305776476.